The following is an entry in ClinVar:

NM_033641.4(COL4A6):c.3325A>G (p.Asn1109Asp)

Gene: COL4A6 (collagen type IV alpha 6 chain; minus strand). Cytogenetic location: Xq22.3.
Variant type: single nucleotide variant.
Coding change: c.3325A>G on transcript NM_033641.4 (MANE Select); coding-DNA position 3325, A replaced by G.
Protein change: p.Asn1109Asp; replaces asparagine 1109 with aspartic acid.
Molecular consequence: missense variant.
Genome position (GRCh38, 1-based): chrX:108,170,870, T>C on the plus strand (A>G on the coding strand, the complement: COL4A6 is on the minus strand). VCF-style: chrX-108170870-T-C. GRCh37 (hg19) VCF-style: chrX-107414100-T-C.
Other names: c.3325A>G, p.Asn1109Asp (NM_001287759.2, NM_001287760.2); c.3328A>G, p.Asn1110Asp (NM_001847.4); c.3376A>G, p.Asn1126Asp (NM_001287758.2); short protein forms N1109D, N1110D, N1126D.
Identifiers: ClinVar variation 3648691 (VCV003648691.2).

ClinVar aggregate classification (germline): Uncertain significance (1 of 4 stars; one submission).

Submission:

Labcorp Genetics (formerly Invitae), Labcorp
Classification: Uncertain significance. Last evaluated: 2024-04-03. Review status: criteria provided, single submitter. Criteria: Invitae Variant Classification Sherloc (09022015). Collection method: clinical testing. Allele origin: germline.
Comment: This sequence change replaces asparagine, which is neutral and polar, with aspartic acid, which is acidic and polar, at codon 1110 of the COL4A6 protein (p.Asn1110Asp). This variant is not present in population databases (gnomAD no frequency). This variant has not been reported in the literature in individuals affected with COL4A6-related conditions. Advanced modeling of protein sequence and biophysical properties (such as structural, functional, and spatial information, amino acid conservation, physicochemical variation, residue mobility, and thermodynamic stability) performed at Invitae indicates that this missense variant is not expected to disrupt COL4A6 protein function with a negative predictive value of 80%. In summary, the available evidence is currently insufficient to determine the role of this variant in disease. Therefore, it has been classified as a Variant of Uncertain Significance.